The following is an entry in ClinVar:

NM_000059.4(BRCA2):c.7559G>T (p.Arg2520Leu)

Gene: BRCA2 (BRCA2 DNA repair associated; plus strand). Cytogenetic location: 13q13.1.
Variant type: single nucleotide variant.
Coding change: c.7559G>T on transcript NM_000059.4 (MANE Select); coding-DNA position 7559, G replaced by T.
Protein change: p.Arg2520Leu; replaces arginine 2520 with leucine.
Molecular consequence: missense variant.
Genome position (GRCh38, 1-based): chr13:32,356,551, G>T. VCF-style: chr13-32356551-G-T. GRCh37 (hg19) VCF-style: chr13-32930688-G-T.
Other names: short protein forms R2520L.
Identifiers: ClinVar variation 187168 (VCV000187168.21), dbSNP rs80358982, ClinGen allele CA025149.

ClinVar aggregate classification (germline): Conflicting classifications of pathogenicity. Review status: criteria provided, conflicting classifications (1 of 4 stars). 3 submissions from 3 submitters: Uncertain significance (2); Likely benign (1). Last evaluated 2026-01-02.

Conditions:
Hereditary cancer-predisposing syndrome. Also called: Neoplastic Syndromes, Hereditary; Tumor predisposition; Hereditary Cancer Syndrome; Hereditary neoplastic syndrome. Identifiers: Orphanet 140162, MedGen C0027672, MeSH D009386, MONDO:0015356.
Hereditary breast ovarian cancer syndrome. Also called: Hereditary breast and ovarian cancer; Hereditary breast and/or ovarian cancer syndrome; BRCA1- and BRCA2-Associated Hereditary Breast and Ovarian Cancer; Hereditary breast and ovarian cancer syndrome (HBOC); Hereditary breast and ovarian cancer syndrome; Breast and ovarian cancer. Identifiers: Orphanet 145, MedGen C0677776, MeSH D061325, MONDO:0003582. Disease mechanism: loss of function.

gnomAD v4.1: 3 of 1,614,152 alleles (0.00019%); highest among the groups gnomAD compares: South Asian, 0.0022%; no homozygotes.

Submissions (3):

Labcorp Genetics (formerly Invitae), Labcorp
Classification: Uncertain significance for Hereditary breast ovarian cancer syndrome. Last evaluated: 2026-01-02. Review status: criteria provided, single submitter. Criteria: Invitae Variant Classification Sherloc (09022015). Collection method: clinical testing. Allele origin: germline.
Comment: This sequence change replaces arginine, which is basic and polar, with leucine, which is neutral and non-polar, at codon 2520 of the BRCA2 protein (p.Arg2520Leu). This variant is not present in population databases (gnomAD no frequency). This missense change has been observed in individual(s) with breast cancer (PMID: 21120943, 25452441, 28477318). ClinVar contains an entry for this variant (Variation ID: 187168). Invitae Evidence Modeling incorporating data from in vitro experimental studies (PMID: 33609447) indicates that this missense variant is not expected to disrupt BRCA2 function with a negative predictive value of 95%. In summary, the available evidence is currently insufficient to determine the role of this variant in disease. Therefore, it has been classified as a Variant of Uncertain Significance.

Color Diagnostics, LLC DBA Color Health
Classification: Uncertain significance for Hereditary cancer-predisposing syndrome. Last evaluated: 2023-06-28. Review status: criteria provided, single submitter. Criteria: ACMG Guidelines, 2015. Collection method: clinical testing. Allele origin: germline.
Comment: This missense variant replaces arginine with leucine at codon 2520 of the BRCA2 protein. Computational prediction suggests that this variant may have deleterious impact on protein structure and function (internally defined REVEL score threshold >= 0.7, PMID: 27666373). To our knowledge, functional studies have not been reported for this variant. This variant has been reported in individuals with personal and/or family history of breast cancer (PMID: 21120943, 25452441, 28477318, DOI 10.1515/tjb-2019-0424). This variant has not been identified in the general population by the Genome Aggregation Database (gnomAD). The available evidence is insufficient to determine the role of this variant in disease conclusively. Therefore, this variant is classified as a Variant of Uncertain Significance.

Ambry Genetics
Classification: Likely benign for Hereditary cancer-predisposing syndrome. Last evaluated: 2020-02-25. Review status: criteria provided, single submitter. Criteria: Ambry Variant Classification Scheme 2023. Collection method: clinical testing. Allele origin: germline.

Literature cited by the submitters: PubMed 21120943 (cited by Labcorp Genetics (formerly Invitae), Labcorp and Color Diagnostics, LLC DBA Color Health); PubMed 25452441 (cited by Labcorp Genetics (formerly Invitae), Labcorp and Color Diagnostics, LLC DBA Color Health); PubMed 28477318 (cited by Labcorp Genetics (formerly Invitae), Labcorp and Color Diagnostics, LLC DBA Color Health); PubMed 33609447 (cited by Labcorp Genetics (formerly Invitae), Labcorp); PubMed 29884841 (cited by Ambry Genetics).